The following is an entry in ClinVar:

ClinVar aggregate classification (germline): Likely benign. Review status: criteria provided, multiple submitters, no conflicts (2 of 4 stars). 2 submissions from 2 submitters: Likely benign (2). Last evaluated 2026-04-24.

Conditions:
Joubert syndrome. Also called: Familial aplasia of the vermis; JOUBERT-BOLTSHAUSER SYNDROME. Identifiers: Orphanet 475, MedGen C5979921, MONDO:0018772.
AHI1-related disorder. Also called: AHI1-related condition.

Submissions (2):

PreventionGenetics, part of Exact Sciences
Classification: Likely benign for AHI1-related condition. Last evaluated: 2026-04-24. Review status: criteria provided, single submitter. Criteria: ACMG Guidelines, 2015. Collection method: clinical testing. Allele origin: germline.
Comment: This variant is classified as likely benign based on ACMG/AMP sequence variant interpretation guidelines (Richards et al. 2015 PMID: 25741868, with internal and published modifications).

Labcorp Genetics (formerly Invitae), Labcorp
Classification: Likely benign for Joubert syndrome. Last evaluated: 2024-02-23. Review status: criteria provided, single submitter. Criteria: Invitae Variant Classification Sherloc (09022015). Collection method: clinical testing. Allele origin: germline.

NM_001134831.2(AHI1):c.339T>C (p.Gly113=)

Gene: AHI1 (Abelson helper integration site 1; minus strand). Cytogenetic location: 6q23.3.
Variant type: single nucleotide variant.
Coding change: c.339T>C on transcript NM_001134831.2 (MANE Select); coding-DNA position 339, T replaced by C.
Protein change: p.Gly113=; no amino-acid change (glycine 113 retained).
Molecular consequence: synonymous variant.
Genome position (GRCh38, 1-based): chr6:135,466,224, A>G on the plus strand (T>C on the coding strand, the complement: AHI1 is on the minus strand). VCF-style: chr6-135466224-A-G. GRCh37 (hg19) VCF-style: chr6-135787362-A-G.
Other names: c.339T>C, p.Gly113= (NM_001134830.2, NM_001134832.2, NM_001350503.2 and 2 more transcripts); c.339T>C (NM_017651.4).
Identifiers: ClinVar variation 3625371 (VCV003625371.3).